The following is an entry in ClinVar:

ClinVar aggregate classification (germline): Likely pathogenic (1 of 4 stars; one submission).

Conditions:
Nephrotic syndrome, type 20. Identifiers: MedGen C5193011, MONDO:0026726, OMIM 301028.

Submission:

New York Genome Center
Classification: Likely pathogenic for Nephrotic syndrome, type 20. Last evaluated: 2023-07-05. Review status: criteria provided, single submitter. Criteria: NYGC Assertion Criteria 2020. Collection method: clinical testing. Allele origin: inherited. Observed: 1 variant allele, 1 hemizygote.
Comment: The hemizygous c.358del variant in TBC1D8B has not previously been reported in the literature or public variant repositories (ClinVar and LOVD) and is absent from population databases (gnomAD v2.1.1 and v3.1.2, TOPMed Freeze 8, All of Us), suggesting it is not a common benign variant in the populations represented in those databases. The c.358del variant in TBC1D8B is located in exon 3 of this 21-exon gene, alters the wildtype translational reading frame and incorporates a premature translation termination codon p.(Arg120GlufsTer3), and is expected to result in loss-of-function either through protein truncation or nonsense-mediated mRNA decay. Predicted loss-of-function variant downstream to the c.358del variant has been reported in the literature [PMID:31732614] and ClinVar [#1013503] in an individual with nephrotic syndrome. Based on available evidence this maternally inherited hemizygous c.358del, p.(Arg120GlufsTer3) variant identified in TBC1D8B is classified as Likely Pathogenic.

NM_017752.3(TBC1D8B):c.358del (p.Arg120fs)

Gene: TBC1D8B (TBC1 domain family member 8B; plus strand). Cytogenetic location: Xq22.3.
Variant type: Deletion.
Coding change: c.358del on transcript NM_017752.3 (MANE Select); coding-DNA position 358, one base deleted (A; older notation c.358delA).
Protein change: p.Arg120fs; shifts the reading frame from arginine 120.
Molecular consequence: frameshift variant.
Genome position (GRCh38, 1-based): chrX:106,820,993, A deleted; the last of 2 consecutive A bases (chrX:106,820,992-106,820,993); deleting either gives the same sequence. VCF-style (leftmost placement, unchanged base first): chrX-106820991-TA-T. GRCh37 (hg19) VCF-style: chrX-106064221-TA-T.
Other names: c.358del, p.Arg120fs (NM_001441214.1, NM_198881.2); c.64del, p.Arg22fs (NM_001441215.1); short protein forms R120fs, R22fs.
Identifiers: ClinVar variation 4888403 (VCV004888403.1).